The following is an entry in ClinVar:

ClinVar aggregate classification (germline): Uncertain significance (1 of 4 stars; one submission).

Conditions:
Cataract 18 (CATC2). Also called: CATARACT 18, AUTOSOMAL RECESSIVE. Identifiers: Orphanet 91492, Orphanet 98991, Orphanet 98992, Orphanet 98995, MedGen C1864908, MONDO:0012395, OMIM 610019.

Allele frequency attached by ClinVar (database versions not stated): gnomAD 0.00001; TOPMed 0.00001; gnomAD exomes 0.00002; ExAC 0.00003; ESP Exome Variant Server 0.00015.
gnomAD v4.1: 35 of 1,613,926 alleles (0.0022%); highest among the groups gnomAD compares: South Asian, 0.0033%; no homozygotes.

Submission:

Labcorp Genetics (formerly Invitae), Labcorp
Classification: Uncertain significance for Cataract 18. Last evaluated: 2023-07-06. Review status: criteria provided, single submitter. Criteria: Invitae Variant Classification Sherloc (09022015). Collection method: clinical testing. Allele origin: germline.
Comment: This variant is present in population databases (rs144587102, gnomAD 0.003%). This variant has not been reported in the literature in individuals affected with FYCO1-related conditions. Advanced modeling of protein sequence and biophysical properties (such as structural, functional, and spatial information, amino acid conservation, physicochemical variation, residue mobility, and thermodynamic stability) performed at Invitae indicates that this missense variant is expected to disrupt FYCO1 protein function. In summary, the available evidence is currently insufficient to determine the role of this variant in disease. Therefore, it has been classified as a Variant of Uncertain Significance. This sequence change replaces glycine, which is neutral and non-polar, with serine, which is neutral and polar, at codon 1442 of the FYCO1 protein (p.Gly1442Ser).

NM_024513.4(FYCO1):c.4324G>A (p.Gly1442Ser)

Gene: FYCO1 (FYVE and coiled-coil domain autophagy adaptor 1; minus strand). Cytogenetic location: 3p21.31.
Variant type: single nucleotide variant.
Coding change: c.4324G>A on transcript NM_024513.4 (MANE Select); coding-DNA position 4324, G replaced by A.
Protein change: p.Gly1442Ser; replaces glycine 1442 with serine.
Molecular consequence: missense variant. On other transcripts: non-coding transcript variant (1), intron variant (1).
Genome position (GRCh38, 1-based): chr3:45,923,693, C>T on the plus strand (G>A on the coding strand, the complement: FYCO1 is on the minus strand). VCF-style: chr3-45923693-C-T. GRCh37 (hg19) VCF-style: chr3-45965185-C-T.
Other names: c.4324G>A, p.Gly1442Ser (NM_001386421.1, NM_001386422.1, NM_001386425.1); c.4321G>A, p.Gly1441Ser (NM_001386423.1); c.4204G>A, p.Gly1402Ser (NM_001386426.1); c.4180G>A, p.Gly1394Ser (NM_001386427.1); c.3724G>A, p.Gly1242Ser (NM_001386430.1); c.4252-4628G>A (NM_001386429.1); short protein forms G1242S, G1441S, G1442S, G1394S, G1402S.
Identifiers: ClinVar variation 2719180 (VCV002719180.3), dbSNP rs144587102, ClinGen allele CA2352330.